The following is an entry in ClinVar:

NM_001037984.3(SLC38A10):c.2779A>G (p.Lys927Glu)

Gene: SLC38A10 (solute carrier family 38 member 10; minus strand). Cytogenetic location: 17q25.3.
Variant type: single nucleotide variant.
Coding change: c.2779A>G on transcript NM_001037984.3 (MANE Select); coding-DNA position 2779, A replaced by G.
Protein change: p.Lys927Glu; replaces lysine 927 with glutamic acid.
Molecular consequence: missense variant.
Genome position (GRCh38, 1-based): chr17:81,246,137, T>C on the plus strand (A>G on the coding strand, the complement: SLC38A10 is on the minus strand). VCF-style: chr17-81246137-T-C. GRCh37 (hg19) VCF-style: chr17-79219937-T-C.
Other names: short protein forms K927E.
Identifiers: ClinVar variation 3037674 (VCV003037674.2), dbSNP rs147849926, ClinGen allele CA8831461.

ClinVar aggregate classification (germline): Likely benign (0 of 4 stars; one submission).

Conditions:
SLC38A10-related disorder. Also called: SLC38A10-related condition.

Allele frequency attached by ClinVar (database versions not stated): 1000 Genomes Project 30x 0.00078; 1000 Genomes Project 0.00100; TOPMed 0.00273; ExAC 0.00286; gnomAD 0.00299; ESP Exome Variant Server 0.00369; gnomAD exomes 0.00409.
gnomAD v4.1: 6,407 of 1,610,394 alleles (0.4%); highest among the groups gnomAD compares: Non-Finnish European, 0.48%; 22 homozygotes.

Submission:

PreventionGenetics, part of Exact Sciences
Classification: Likely benign for SLC38A10-related condition. Last evaluated: 2020-05-22. Review status: no assertion criteria provided. Collection method: clinical testing. Allele origin: germline.
Comment: This variant is classified as likely benign based on ACMG/AMP sequence variant interpretation guidelines (Richards et al. 2015 PMID: 25741868, with internal and published modifications).